The following is an entry in ClinVar:

NM_000744.7(CHRNA4):c.1440C>T (p.Gly480=)

Gene: CHRNA4 (cholinergic receptor nicotinic alpha 4 subunit; minus strand). Cytogenetic location: 20q13.33.
Variant type: single nucleotide variant.
Coding change: c.1440C>T on transcript NM_000744.7 (MANE Select); coding-DNA position 1440, C replaced by T.
Protein change: p.Gly480=; no amino-acid change (glycine 480 retained).
Molecular consequence: synonymous variant. On other transcripts: non-coding transcript variant (1).
Genome position (GRCh38, 1-based): chr20:63,349,971, G>A on the plus strand (C>T on the coding strand, the complement: CHRNA4 is on the minus strand). VCF-style: chr20-63349971-G-A. GRCh37 (hg19) VCF-style: chr20-61981323-G-A.
Other names: c.912C>T, p.Gly304= (NM_001256573.2).
Identifiers: ClinVar variation 506635 (VCV000506635.11), dbSNP rs749506890, ClinGen allele CA9957596.

ClinVar aggregate classification (germline): Likely benign. Review status: criteria provided, multiple submitters, no conflicts (2 of 4 stars). 3 submissions from 3 submitters: Likely benign (3). Last evaluated 2025-08-21.

Conditions:
Familial sleep-related hypermotor epilepsy. Also called: Autosomal Dominant Sleep-Related Hypermotor (Hyperkinetic) Epilepsy. Identifiers: Orphanet 98784, MedGen C3696898, MONDO:0000030.

Allele frequency attached by ClinVar (database versions not stated): gnomAD exomes 0.00005; TOPMed 0.00005; gnomAD 0.00006; ExAC 0.00011.
gnomAD v4.1: 82 of 1,556,172 alleles (0.0053%); highest among the groups gnomAD compares: Admixed American, 0.017%; no homozygotes.

Submissions (3):

Labcorp Genetics (formerly Invitae), Labcorp
Classification: Likely benign. Last evaluated: 2025-08-21. Review status: criteria provided, single submitter. Criteria: Invitae Variant Classification Sherloc (09022015). Collection method: clinical testing. Allele origin: germline.

Blueprint Genetics
Classification: Likely benign. Last evaluated: 2024-10-22. Review status: criteria provided, single submitter. Criteria: ACMG Guidelines, 2015. Collection method: clinical testing. Allele origin: germline.

GeneDx
Classification: Likely benign. Last evaluated: 2017-12-07. Review status: criteria provided, single submitter. Criteria: GeneDx Variant Classification (06012015). Collection method: clinical testing. Allele origin: germline. Affected: yes.
Comment: This variant is considered likely benign or benign based on one or more of the following criteria: it is a conservative change, it occurs at a poorly conserved position in the protein, it is predicted to be benign by multiple in silico algorithms, and/or has population frequency not consistent with disease.